The following is an entry in ClinVar:

NM_033310.3(KCNK4):c.974A>G (p.Lys325Arg)

Genes: KCNK4 (potassium two pore domain channel subfamily K member 4; plus strand), KCNK4-CATSPERZ (KCNK4-CATSPERZ readthrough (NMD candidate); plus strand). Cytogenetic location: 11q13.1.
Variant type: single nucleotide variant.
Coding change: c.974A>G on transcript NM_033310.3 (MANE Select); coding-DNA position 974, A replaced by G.
Protein change: p.Lys325Arg; replaces lysine 325 with arginine.
Molecular consequence: missense variant. On other transcripts: non-coding transcript variant (3).
Genome position (GRCh38, 1-based): chr11:64,299,518, A>G. VCF-style: chr11-64299518-A-G. GRCh37 (hg19) VCF-style: chr11-64066990-A-G.
Other names: c.974A>G, p.Lys325Arg (NM_001317090.2); short protein forms K325R.
Identifiers: ClinVar variation 1378151 (VCV001378151.6), dbSNP rs2135236693, ClinGen allele CA381068375.

ClinVar aggregate classification (germline): Uncertain significance (1 of 4 stars; one submission).

gnomAD v4.1: 8 of 1,608,936 alleles (0.0005%); highest among the groups gnomAD compares: Non-Finnish European, 0.00068%; no homozygotes.

Submission:

Labcorp Genetics (formerly Invitae), Labcorp
Classification: Uncertain significance. Last evaluated: 2025-07-16. Review status: criteria provided, single submitter. Criteria: Invitae Variant Classification Sherloc (09022015). Collection method: clinical testing. Allele origin: germline.
Comment: This sequence change replaces lysine, which is basic and polar, with arginine, which is basic and polar, at codon 325 of the KCNK4 protein (p.Lys325Arg). This variant is not present in population databases (gnomAD no frequency). This variant has not been reported in the literature in individuals affected with KCNK4-related conditions. ClinVar contains an entry for this variant (Variation ID: 1378151). An algorithm developed to predict the effect of missense changes on protein structure and function (PolyPhen-2) suggests that this variant is likely to be tolerated. In summary, the available evidence is currently insufficient to determine the role of this variant in disease. Therefore, it has been classified as a Variant of Uncertain Significance.